The following is an entry in ClinVar:

ClinVar aggregate classification (germline): Likely pathogenic (1 of 4 stars; one submission).

Conditions:
Nephronophthisis 15 (NPHP15). Identifiers: Orphanet 3156, MedGen C3541853, MONDO:0013917, OMIM 614845.

Allele frequency attached by ClinVar (database versions not stated): gnomAD 0.00001; TOPMed 0.00001.

Submission:

Women's Health and Genetics/Laboratory Corporation of America, LabCorp
Classification: Likely pathogenic for Nephronophthisis 15. Last evaluated: 2022-12-21. Review status: criteria provided, single submitter. Criteria: LabCorp Variant Classification Summary - May 2015. Collection method: clinical testing. Allele origin: germline.
Comment: Variant summary: CEP164 c.3437delA (p.Gln1146ArgfsX30) results in a premature termination codon, predicted to cause a truncation of the encoded protein or absence of the protein due to nonsense mediated decay, which are commonly known mechanisms for disease. Truncations downstream of this position have been classified as pathogenic in ClinVar. The variant was absent in 250976 control chromosomes (gnomAD). To our knowledge, no occurrence of c.3437delA in individuals affected with Nephronophthisis 15 and no experimental evidence demonstrating its impact on protein function have been reported. No clinical diagnostic laboratories have submitted clinical-significance assessments for this variant to ClinVar after 2014. Based on the evidence outlined above, the variant was classified as likely pathogenic.

NM_014956.5(CEP164):c.3437del (p.Gln1146fs)

Gene: CEP164 (centrosomal protein 164; plus strand). Cytogenetic location: 11q23.3.
Variant type: Deletion.
Coding change: c.3437del on transcript NM_014956.5 (MANE Select); coding-DNA position 3437, one base deleted (A; older notation c.3437delA).
Protein change: p.Gln1146fs; shifts the reading frame from glutamine 1146.
Molecular consequence: frameshift variant.
Genome position (GRCh38, 1-based): chr11:117,397,249, A deleted. VCF-style (leftmost placement, unchanged base first): chr11-117397248-CA-C. GRCh37 (hg19) VCF-style: chr11-117267964-CA-C.
Other names: c.3446del, p.Gln1149fs (NM_001271933.2); short protein forms Q1149fs, Q1146fs.
Identifiers: ClinVar variation 1878357 (VCV001878357.1), dbSNP rs1396789926, ClinGen allele CA672237756.